The following is an entry in ClinVar:

NM_017570.5(OPLAH):c.2608dup (p.His870fs)

Gene: OPLAH (5-oxoprolinase, ATP-hydrolysing; minus strand). Cytogenetic location: 8q24.3.
Variant type: Duplication.
Coding change: c.2608dup on transcript NM_017570.5 (MANE Select); coding-DNA position 2608, one base duplicated (C; older notation c.2608dupC).
Protein change: p.His870fs; shifts the reading frame from histidine 870.
Molecular consequence: frameshift variant.
Genome position (GRCh38, 1-based): chr8:144,054,639, G duplicated on the plus strand (C on the coding strand, the reverse complement: OPLAH is on the minus strand); the first of 7 consecutive G bases (chr8:144,054,639-144,054,645); duplicating any one gives the same sequence. VCF-style (leftmost placement, unchanged base first): chr8-144054638-T-TG. GRCh37 (hg19) VCF-style: chr8-145109541-T-TG.
Other names: c.2608dupC (NM_017570.4); short protein forms H870fs.
Identifiers: ClinVar variation 31133 (VCV000031133.5), dbSNP rs781956288, ClinGen allele CA4931398.
Genomic context (GRCh38, chr8:144,054,638, plus strand): 5'-CCCCCCTGGACAAGTTTGAAGGACAGAAAGACGGCACCCTCCTGTTGCAGCATGGTGGAG[T>TG]GGGGGGGCATGGAGCCTGGTGTGATGCCCCCGATGTCTGCGTGGTGCCCTCGGCTGGCCA-3'

ClinVar aggregate classification (germline): Pathogenic. Review status: criteria provided, multiple submitters, no conflicts (2 of 4 stars). 3 submissions from 3 submitters: Pathogenic (2). 1 of the submissions does not count toward it. Last evaluated 2025-03-07.

Conditions:
5-Oxoprolinase deficiency (OPLAHD). Also called: 5-OXOPROLINURIA DUE TO 5-OXOPROLINASE DEFICIENCY. Identifiers: Orphanet 33572, MedGen C0268525, MONDO:0009825, OMIM 260005, HP:0040142.

Submissions (3):

Labcorp Genetics (formerly Invitae), Labcorp
Classification: Pathogenic for 5-Oxoprolinase deficiency. Last evaluated: 2025-03-07. Review status: criteria provided, single submitter. Criteria: Invitae Variant Classification Sherloc (09022015). Collection method: clinical testing. Allele origin: germline.
Comment: This sequence change creates a premature translational stop signal (p.His870Profs*92) in the OPLAH gene. It is expected to result in an absent or disrupted protein product. Loss-of-function variants in OPLAH are known to be pathogenic (PMID: 21651516, 27477828). This variant is present in population databases (rs782397955, gnomAD 0.02%). This premature translational stop signal has been observed in individuals with 5-oxoprolinase deficiency (PMID: 21651516, 37644014). This variant is also known as c.2601_2602insC. ClinVar contains an entry for this variant (Variation ID: 31133). Algorithms developed to predict the effect of sequence changes on RNA splicing suggest that this variant may disrupt the consensus splice site. For these reasons, this variant has been classified as Pathogenic.

Victorian Clinical Genetics Services, Murdoch Childrens Research Institute
Classification: Pathogenic for 5-Oxoprolinase deficiency. Last evaluated: 2023-07-17. Review status: criteria provided, single submitter. Criteria: ACMG Guidelines, 2015. Collection method: clinical testing. Allele origin: germline. Affected: yes.
Comment: Based on the classification scheme VCGS_Germline_v1.3.4, this variant is classified as Pathogenic. Following criteria are met: 0102 - Loss of function is a known mechanism of disease in this gene and is associated with autosomal recessive 5-oxoprolinase deficiency (MIM#260005). Dominant negative has been suggested as a mechanism of autosomal dominant disease (PMID: 23430506). (I) 0106 - This gene is associated with autosomal recessive disease, with rare autosomal dominant reports (OMIM). (I) 0201 - Variant is predicted to cause nonsense-mediated decay (NMD) and loss of protein (premature termination codon is located at least 54 nucleotides upstream of the final exon-exon junction). (SP) 0251 - This variant is heterozygous. (I) 0304 - Variant is present in gnomAD (v2) <0.01 (13 heterozygotes, 0 homozygotes). (SP) 0702 - Other NMD-predicted variants comparable to the one identified in this case have strong previous evidence for pathogenicity. These variants have been reported multiple times as pathogenic (ClinVar). (SP) 0803 - This variant has limited previous evidence of pathogenicity in an unrelated individual. This variant has been reported as pathogenic, and observed as homozygous in two siblings with 5-oxoprolinase deficiency (ClinVar, PMID: 21651516). (SP) 1007 - No published functional evidence has been identified for this variant. (I) 1101 - Very strong and specific phenotype match for this individual. (I) Legend: (SP) - Supporting pathogenic, (I) - Information, (SB) - Supporting benign

OMIM
Classification: Pathogenic for 5-OXOPROLINASE DEFICIENCY. Last evaluated: 2012-08-01. Review status: no assertion criteria provided. Collection method: literature only. Allele origin: germline. Not counted in ClinVar's aggregate classification.

Literature cited by the submitters: PubMed 21651516 (cited by 3 submitters); PubMed 27477828 (cited by Labcorp Genetics (formerly Invitae), Labcorp); PubMed 37644014 (cited by Labcorp Genetics (formerly Invitae), Labcorp); PubMed 23430506 (cited by Victorian Clinical Genetics Services, Murdoch Childrens Research Institute).